The following is an entry in ClinVar:

NM_000138.5(FBN1):c.496T>C (p.Cys166Arg)

Gene: FBN1 (fibrillin 1; minus strand). Cytogenetic location: 15q21.1.
Variant type: single nucleotide variant.
Coding change: c.496T>C on transcript NM_000138.5 (MANE Select); coding-DNA position 496, T replaced by C.
Protein change: p.Cys166Arg; replaces cysteine 166 with arginine.
Molecular consequence: missense variant.
Genome position (GRCh38, 1-based): chr15:48,596,325, A>G on the plus strand (T>C on the coding strand, the complement: FBN1 is on the minus strand). VCF-style: chr15-48596325-A-G. GRCh37 (hg19) VCF-style: chr15-48888522-A-G.
Other names: c.496T>C (NM_000138.4); short protein forms C166R.
Identifiers: ClinVar variation 803098 (VCV000803098.5), dbSNP rs363852, ClinGen allele CA270049438.
Genomic context (GRCh38, chr15:48,596,325, plus strand): 5'-GATTTTAAAAACCATTACCTCTTTCACACTGGGGTCCAGTAAATCCGTAAGTGCATGCAC[A>G]TCGATTTGGGGCCACACACCTTCCTCCATTGAGACAGCCACTTTCACAAACAGCTGTAAA-3'
Protein context (NP_000129.3, residues 156-176): NGGRCVAPNR[Cys166Arg]ACTYGFTGPQ

ClinVar aggregate classification (germline): Pathogenic/Likely pathogenic. Review status: criteria provided, multiple submitters, no conflicts (2 of 4 stars). 3 submissions from 3 submitters: Pathogenic (1); Likely pathogenic (2). Last evaluated 2023-12-11.

Conditions:
Familial thoracic aortic aneurysm and aortic dissection (TAAD). Also called: Thoracic aortic aneurysms and dissections. Identifiers: Orphanet 91387, MedGen C4707243, MONDO:0019625.
Marfan syndrome (MFS). Also called: FBN1-Related Marfan Syndrome; Marfan's syndrome; MARFAN SYNDROME, TYPE I; Marfan syndrome type 1; Marfan syndrome, classic. Identifiers: Orphanet 284963, Orphanet 558, MedGen C0024796, MONDO:0007947, OMIM 154700.

Allele frequency attached by ClinVar (database versions not stated): gnomAD exomes below 0.00001.
gnomAD v4.1: 2 of 1,614,120 alleles (0.00012%); highest among the groups gnomAD compares: Non-Finnish European, 0.00017%; no homozygotes.

Submissions (3):

Labcorp Genetics (formerly Invitae), Labcorp
Classification: Pathogenic for Marfan syndrome; Familial thoracic aortic aneurysm and aortic dissection. Last evaluated: 2023-12-11. Review status: criteria provided, single submitter. Criteria: Invitae Variant Classification Sherloc (09022015). Collection method: clinical testing. Allele origin: germline.
Comment: This sequence change replaces cysteine, which is neutral and slightly polar, with arginine, which is basic and polar, at codon 166 of the FBN1 protein (p.Cys166Arg). This variant is not present in population databases (gnomAD no frequency). This missense change has been observed in individuals with Marfan syndrome (PMID: 28941062, 32679894). ClinVar contains an entry for this variant (Variation ID: 803098). Advanced modeling of protein sequence and biophysical properties (such as structural, functional, and spatial information, amino acid conservation, physicochemical variation, residue mobility, and thermodynamic stability) performed at Invitae indicates that this missense variant is expected to disrupt FBN1 protein function with a positive predictive value of 95%. This variant affects a cysteine residue in the EGF-like, TGFBP or hybrid motif domains of FBN1. Cysteine residues are believed to be involved in intramolecular disulfide bridges and have been shown to be important for FBN1 protein structure (PMID: 16905551, 19349279). In addition, missense substitutions affecting cysteine residues within these domains are significantly overrepresented among patients with Marfan syndrome (PMID: 16571647, 17701892). For these reasons, this variant has been classified as Pathogenic.

Ambry Genetics
Classification: Likely pathogenic for Familial thoracic aortic aneurysm and aortic dissection. Last evaluated: 2023-10-06. Review status: criteria provided, single submitter. Criteria: Ambry Variant Classification Scheme 2023. Collection method: clinical testing. Allele origin: germline.
Comment: The p.C166R variant (also known as c.496T>C), located in coding exon 5 of the FBN1 gene, results from a T to C substitution at nucleotide position 496. The cysteine at codon 166 is replaced by arginine, an amino acid with highly dissimilar properties. This variant has been detected in individuals from cohorts with clinically diagnosed or suspected Marfan syndrome (Vatti L et al. Am J Med Genet A, 2017 Nov;173:2995-3002; Stark VC et al. Genes (Basel), 2020 Jul;11). The majority of FBN1 mutations identified to date have involved the substitution or generation of cysteine residues within cbEGF domains (Vollbrandt T et al. J Biol Chem. 2004;279(31):32924-32931). Internal structural analysis indicates this alteration eliminates a disulfide bond critical for the structural integrity of the EGF3 domain (Ambry internal data). This variant is considered to be rare based on population cohorts in the Genome Aggregation Database (gnomAD). This amino acid position is highly conserved in available vertebrate species. In addition, this alteration is predicted to be deleterious by in silico analysis. Based on the majority of available evidence to date, this variant is likely to be pathogenic.

Mendelics
Classification: Likely pathogenic for Marfan syndrome. Last evaluated: 2019-05-28. Review status: criteria provided, single submitter. Criteria: Mendelics Assertion Criteria 2017. Collection method: clinical testing. Allele origin: unknown.

Literature cited by the submitters: PubMed 28941062 (cited by Labcorp Genetics (formerly Invitae), Labcorp and Ambry Genetics); PubMed 32679894 (cited by Labcorp Genetics (formerly Invitae), Labcorp and Ambry Genetics); PubMed 16905551 (cited by Labcorp Genetics (formerly Invitae), Labcorp); PubMed 19349279 (cited by Labcorp Genetics (formerly Invitae), Labcorp); PubMed 16571647 (cited by Labcorp Genetics (formerly Invitae), Labcorp); PubMed 17701892 (cited by Labcorp Genetics (formerly Invitae), Labcorp).